The following is an entry in ClinVar:

NM_003321.5(TUFM):c.981C>G (p.Ala327=)

Gene: TUFM (Tu translation elongation factor, mitochondrial; minus strand). Cytogenetic location: 16p11.2.
Variant type: single nucleotide variant.
Coding change: c.981C>G on transcript NM_003321.5 (MANE Select); coding-DNA position 981, C replaced by G.
Protein change: p.Ala327=; no amino-acid change (alanine 327 retained).
Molecular consequence: synonymous variant.
Genome position (GRCh38, 1-based): chr16:28,844,043, G>C on the plus strand (C>G on the coding strand, the complement: TUFM is on the minus strand). VCF-style: chr16-28844043-G-C. GRCh37 (hg19) VCF-style: chr16-28855364-G-C.
Other names: c.897C>G, p.Ala299= (NM_001365360.2).
Identifiers: ClinVar variation 1326117 (VCV001326117.8), dbSNP rs201593115, ClinGen allele CA7985452.

ClinVar aggregate classification (germline): Likely benign. Review status: criteria provided, multiple submitters, no conflicts (2 of 4 stars). 3 submissions from 3 submitters: Likely benign (2). 1 of the submissions does not count toward it. Last evaluated 2024-11-11.

Conditions:
TUFM-related disorder. Also called: TUFM-related condition.

Allele frequency attached by ClinVar (database versions not stated): ESP Exome Variant Server 0.00008; 1000 Genomes Project 30x 0.00016; gnomAD 0.00017 and 0.00019; 1000 Genomes Project 0.00020; TOPMed 0.00025.

Submissions (3):

Labcorp Genetics (formerly Invitae), Labcorp
Classification: Likely benign. Last evaluated: 2024-11-11. Review status: criteria provided, single submitter. Criteria: Invitae Variant Classification Sherloc (09022015). Collection method: clinical testing. Allele origin: germline.

GeneDx
Classification: Likely benign. Last evaluated: 2021-05-19. Review status: criteria provided, single submitter. Criteria: GeneDx Variant Classification Process June 2021. Collection method: clinical testing. Allele origin: germline. Affected: yes.

PreventionGenetics, part of Exact Sciences
Classification: Likely benign for TUFM-related condition. Last evaluated: 2019-07-12. Review status: no assertion criteria provided. Collection method: clinical testing. Allele origin: germline. Not counted in ClinVar's aggregate classification.
Comment: This variant is classified as likely benign based on ACMG/AMP sequence variant interpretation guidelines (Richards et al. 2015 PMID: 25741868, with internal and published modifications).